The following is an entry in ClinVar:

NM_199420.4(POLQ):c.3602A>G (p.His1201Arg)

Gene: POLQ (DNA polymerase theta; minus strand). Cytogenetic location: 3q13.33.
Variant type: single nucleotide variant.
Coding change: c.3602A>G on transcript NM_199420.4 (MANE Select); coding-DNA position 3602, A replaced by G.
Protein change: p.His1201Arg; replaces histidine 1201 with arginine.
Molecular consequence: missense variant.
Genome position (GRCh38, 1-based): chr3:121,489,329, T>C on the plus strand (A>G on the coding strand, the complement: POLQ is on the minus strand). VCF-style: chr3-121489329-T-C. GRCh37 (hg19) VCF-style: chr3-121208176-T-C.
Other names: short protein forms H1201R.
Identifiers: ClinVar variation 3060156 (VCV003060156.3), dbSNP rs3218651, ClinGen allele CA2563032.
Genomic context (GRCh38, chr3:121,489,329, plus strand): 5'-TCACAGGGCATTTGTCTCTCTATTATATTTTTCTGTTTGGTAATAGTGCTTGTCTGTTCA[T>C]GAGATTGCTTTCGCAGGTACTGGTTAATTGGATGGATGTCATGGTGTTTCATATAAACAT-3'
Protein context (NP_955452.3, residues 1191-1211): PINQYLRKQS[His1201Arg]EQTSTITKQK

ClinVar aggregate classification (germline): Benign. Review status: criteria provided, single submitter (1 of 4 stars). 2 submissions from 2 submitters: Benign (1). 1 of the submissions does not count toward it. Last evaluated 2026-08-07.

Conditions:
POLQ-related disorder. Also called: POLQ-related condition.
Familial cancer of breast. Also called: hereditary breast carcinoma; BREAST CANCER, FAMILIAL; Hereditary breast cancer. Identifiers: Orphanet 227535, MedGen C0346153, MONDO:0016419, OMIM 114480. Disease mechanism: loss of function.

Allele frequency attached by ClinVar (database versions not stated): ESP Exome Variant Server 0.13248; gnomAD 0.17980; ExAC 0.23251; 1000 Genomes Project 0.28974; TOPMed 0.17926; 1000 Genomes Project 30x 0.27811.
gnomAD v4.1: 302,115 of 1,612,746 alleles (19%); highest among the groups gnomAD compares: East Asian, 59%; 35,798 homozygotes.

Submissions (2):

Genomic Medicine Laboratory, Hospital de Clinicas de Porto Alegre
Classification: Benign for Familial cancer of breast. Last evaluated: 2026-08-07. Review status: criteria provided, single submitter. Criteria: ACGS UK Practice Guidelines For Variant Classification V12 2024. Collection method: research. Allele origin: germline. Affected: yes. Observed: 10 variant alleles.
Comment: BA1: Allele frequency is above 5%

PreventionGenetics, part of Exact Sciences
Classification: Benign for POLQ-related condition. Last evaluated: 2019-10-18. Review status: no assertion criteria provided. Collection method: clinical testing. Allele origin: germline. Not counted in ClinVar's aggregate classification.
Comment: This variant is classified as benign based on ACMG/AMP sequence variant interpretation guidelines (Richards et al. 2015 PMID: 25741868, with internal and published modifications).